The following is an entry in ClinVar:

ClinVar aggregate classification (germline): Conflicting classifications of pathogenicity. Review status: criteria provided, conflicting classifications (1 of 4 stars). 2 submissions from 2 submitters: Likely pathogenic (1); Uncertain significance (1). Last evaluated 2025-08-14.

Conditions:
Charcot-Marie-Tooth disease, demyelinating, IIA 1I. Also called: CHARCOT-MARIE-TOOTH NEUROPATHY, TYPE 1I; Charcot-Marie-Tooth disease, demyelinating, type 1I. Identifiers: MedGen C5676914, MONDO:0030677, OMIM 619742.
Leukodystrophy, hypomyelinating, 8, with or without oligodontia and/or hypogonadotropic hypogonadism. Also called: LEUKODYSTROPHY, HYPOMYELINATING, 8, WITH HYPODONTIA AND HYPOGONADOTROPIC HYPOGONADISM; Hypomyelinating leukodystrophy 8 with or without oligodontia and-or hypogonadotropic hypogonadism; Endosteal sclerosis-cerebellar hypoplasia syndrome. Identifiers: Orphanet 85186, Orphanet 88637, MedGen C3280644, MONDO:0013722, OMIM 614381.
POLR3B-related disorder. Also called: POLR3B-related condition; POLR3B-related disorders. Identifiers: MedGen CN378588, MONDO:0700277.

Submissions (2):

PreventionGenetics, part of Exact Sciences
Classification: Uncertain significance for POLR3B-related condition. Last evaluated: 2025-08-14. Review status: criteria provided, single submitter. Criteria: ACMG Guidelines, 2015. Collection method: clinical testing. Allele origin: germline.
Comment: The POLR3B c.81G>A variant is predicted to result in premature protein termination (p.Trp27*). To our knowledge, this variant has not been reported in the literature or in a large population database (gnomAD), indicating this variant is rare. Nonsense variants in POLR3B are expected to be pathogenic, but no nonsense variants upstream of the variant have been reported. Although we suspect that this variant may be pathogenic, at this time, the clinical significance of this variant is uncertain due to the absence of conclusive functional and genetic evidence.

Juno Genomics, Hangzhou Juno Genomics, Inc
Classification: Likely pathogenic for Charcot-Marie-Tooth disease, demyelinating, IIA 1I; Leukodystrophy, hypomyelinating, 8, with or without oligodontia and/or hypogonadotropic hypogonadism. Review status: criteria provided, single submitter. Criteria: ACMG Guidelines, 2015. Collection method: clinical testing. Allele origin: germline.
Comment: Null variant in a gene where loss of function (LOF) is a known mechanism of disease.;Absent from controls (or at extremely low frequency if recessive) in Genome Aggregation Database.

NM_018082.6(POLR3B):c.81G>A (p.Trp27Ter)

Gene: POLR3B (RNA polymerase III subunit B; plus strand). Cytogenetic location: 12q23.3.
Variant type: single nucleotide variant.
Coding change: c.81G>A on transcript NM_018082.6 (MANE Select); coding-DNA position 81, G replaced by A.
Protein change: p.Trp27Ter; replaces tryptophan 27 with a stop codon.
Molecular consequence: nonsense. On other transcripts: 5 prime UTR variant (1).
Genome position (GRCh38, 1-based): chr12:106,363,878, G>A. VCF-style: chr12-106363878-G-A. GRCh37 (hg19) VCF-style: chr12-106757656-G-A.
Other names: c.-94G>A (NM_001160708.2); short protein forms W27*.
Identifiers: ClinVar variation 4980825 (VCV004980825.2).